The following is an entry in ClinVar:

ClinVar aggregate classification (germline): Uncertain significance. Review status: criteria provided, multiple submitters, no conflicts (2 of 4 stars). 2 submissions from 2 submitters: Uncertain significance (2). Last evaluated 2022-03-18.

Allele frequency attached by ClinVar (database versions not stated): gnomAD exomes below 0.00001; ExAC 0.00001.
gnomAD v4.1: 1 of 1,614,240 alleles (0.000062%); highest among the groups gnomAD compares: Non-Finnish European, 0.000085%; no homozygotes.

Submissions (2):

Labcorp Genetics (formerly Invitae), Labcorp
Classification: Uncertain significance. Last evaluated: 2022-03-18. Review status: criteria provided, single submitter. Criteria: Invitae Variant Classification Sherloc (09022015). Collection method: clinical testing. Allele origin: germline.
Comment: Algorithms developed to predict the effect of missense changes on protein structure and function are either unavailable or do not agree on the potential impact of this missense change (SIFT: "Deleterious"; PolyPhen-2: "Benign"; Align-GVGD: "Class C15"). This sequence change replaces arginine, which is basic and polar, with glycine, which is neutral and non-polar, at codon 279 of the HK1 protein (p.Arg279Gly). This variant is not present in population databases (gnomAD no frequency). This variant has not been reported in the literature in individuals affected with HK1-related conditions. In summary, the available evidence is currently insufficient to determine the role of this variant in disease. Therefore, it has been classified as a Variant of Uncertain Significance.

Blueprint Genetics
Classification: Uncertain significance. Last evaluated: 2018-02-21. Review status: criteria provided, single submitter. Criteria: ACMG Guidelines, 2015. Collection method: clinical testing. Allele origin: germline.

NM_000188.3(HK1):c.835A>G (p.Arg279Gly)

Gene: HK1 (hexokinase 1; plus strand). Cytogenetic location: 10q22.1.
Variant type: single nucleotide variant.
Coding change: c.835A>G on transcript NM_000188.3 (MANE Select); coding-DNA position 835, A replaced by G.
Protein change: p.Arg279Gly; replaces arginine 279 with glycine.
Molecular consequence: missense variant.
Genome position (GRCh38, 1-based): chr10:69,369,584, A>G. VCF-style: chr10-69369584-A-G. GRCh37 (hg19) VCF-style: chr10-71129340-A-G.
Other names: c.847A>G, p.Arg283Gly (NM_001322364.2, NM_001358263.1, NM_033497.3 and 1 more transcripts); c.940A>G, p.Arg314Gly (NM_001322365.2); c.751A>G, p.Arg251Gly (NM_001322366.1); c.739A>G, p.Arg247Gly (NM_001322367.1); c.832A>G, p.Arg278Gly (NM_033496.3); c.799A>G, p.Arg267Gly (NM_033500.2); short protein forms R267G, R314G, R279G, R283G, R247G, R278G, R251G.
Identifiers: ClinVar variation 1960010 (VCV001960010.6), dbSNP rs756728106, ClinGen allele CA5532433.
Genomic context (GRCh38, chr10:69,369,584, plus strand): 5'-ACAGAATGGGGAGCCTTTGGAGACGATGGATCATTAGAAGACATCCGGACAGAGTTTGAC[A>G]GGGAGATAGACCGGGGATCCCTCAACCCTGGAAAACAGCTGTGAGTCCTTGACTTTTGCT-3'
Protein context (NP_000179.2, residues 269-289): SLEDIRTEFD[Arg279Gly]EIDRGSLNPG